The following is an entry in ClinVar:

ClinVar aggregate classification (germline): Pathogenic. Review status: criteria provided, multiple submitters, no conflicts (2 of 4 stars). 2 submissions from 2 submitters: Pathogenic (2). Last evaluated 2025-09-04.

Conditions:
NF1-related disorder. Also called: NF1-related condition. Identifiers: MedGen CN379171.
Neurofibromatosis, type 1 (NF1). Also called: Neurofibromatosis, type I; VON RECKLINGHAUSEN DISEASE; Peripheral type neurofibromatosis; NEUROFIBROMATOSIS, TYPE I, SOMATIC. Identifiers: Orphanet 636, MedGen C0027831, MONDO:0018975, OMIM 162200. Disease mechanism: loss of function.

Submissions (2):

PreventionGenetics, part of Exact Sciences
Classification: Pathogenic for NF1-related condition. Last evaluated: 2025-09-04. Review status: criteria provided, single submitter. Criteria: ACMG Guidelines, 2015. Collection method: clinical testing. Allele origin: germline.
Comment: The NF1 c.4693delA variant is predicted to result in a frameshift and premature protein termination (p.Thr1565Profs*9). This variant has been reported in individual(s) with clinical features consistent with neurofibromatosis type 1 (Upadhyaya et al. 1995. PubMed ID: 8544190). This variant has not been reported in a large population database (gnomAD), indicating it is rare. It is classified as pathogenic in ClinVar (Variation ID: 2137986). This variant creates a premature termination codon and is expected to result in a loss of protein function. Loss-of-function variants in NF1 are expected to be pathogenic (Sabbagh et al. 2013. PubMed ID: 23913538; Fahsold et al. 2000. PubMed ID: 10712197). This variant is interpreted as pathogenic.

Labcorp Genetics (formerly Invitae), Labcorp
Classification: Pathogenic for Neurofibromatosis, type 1. Last evaluated: 2022-08-23. Review status: criteria provided, single submitter. Criteria: Invitae Variant Classification Sherloc (09022015). Collection method: clinical testing. Allele origin: germline.
Comment: For these reasons, this variant has been classified as Pathogenic. This premature translational stop signal has been observed in individual(s) with neurofibromatosis type 1 (PMID: 8544190). This variant is not present in population databases (gnomAD no frequency). This sequence change creates a premature translational stop signal (p.Thr1544Profs*9) in the NF1 gene. It is expected to result in an absent or disrupted protein product. Loss-of-function variants in NF1 are known to be pathogenic (PMID: 10712197, 23913538).

Literature cited by the submitters: PubMed 8544190 (cited by Labcorp Genetics (formerly Invitae), Labcorp); PubMed 10712197 (cited by Labcorp Genetics (formerly Invitae), Labcorp); PubMed 23913538 (cited by Labcorp Genetics (formerly Invitae), Labcorp).

NM_001042492.3(NF1):c.4693del (p.Thr1565fs)

Gene: NF1 (neurofibromin 1; plus strand). Cytogenetic location: 17q11.2.
Variant type: Deletion.
Coding change: c.4693del on transcript NM_001042492.3 (MANE Select); coding-DNA position 4693, one base deleted (A; older notation c.4693delA).
Protein change: p.Thr1565fs; shifts the reading frame from threonine 1565.
Molecular consequence: frameshift variant.
Genome position (GRCh38, 1-based): chr17:31,261,826, A deleted. VCF-style (leftmost placement, unchanged base first): chr17-31261825-TA-T. GRCh37 (hg19) VCF-style: chr17-29588843-TA-T.
Other names: c.4630delA, p.Thr1544Profs (NM_000267.4); short protein forms T1544fs, T1565fs.
Identifiers: ClinVar variation 2137986 (VCV002137986.5), dbSNP rs2508430611, ClinGen allele CA2580093309.